The following is an entry in ClinVar:

ClinVar aggregate classification (germline): Conflicting classifications of pathogenicity. Review status: criteria provided, conflicting classifications (1 of 4 stars). 4 submissions from 4 submitters: Uncertain significance (3); Likely benign (1). Last evaluated 2022-07-19.

Conditions:
Deafness with labyrinthine aplasia, microtia, and microdontia. Also called: Congenital Deafness with Inner Ear Agenesis, Microtia, and Microdontia; DEAFNESS WITH LAMM; DEAFNESS, CONGENITAL, WITH LABYRINTHINE APLASIA, MICROTIA, AND MICRODONTIA. Identifiers: Orphanet 90024, MedGen C1853144, MONDO:0012541, OMIM 610706.

Allele frequency attached by ClinVar (database versions not stated): gnomAD 0.00001; gnomAD exomes 0.00002 and 0.00022; TOPMed 0.00006.
gnomAD v4.1: 28 of 1,478,852 alleles (0.0019%); highest among the groups gnomAD compares: Admixed American, 0.065%; no homozygotes.

Submissions (4):

Labcorp Genetics (formerly Invitae), Labcorp
Classification: Uncertain significance. Last evaluated: 2022-07-19. Review status: criteria provided, single submitter. Criteria: Invitae Variant Classification Sherloc (09022015). Collection method: clinical testing. Allele origin: germline.
Comment: This sequence change replaces glycine, which is neutral and non-polar, with cysteine, which is neutral and slightly polar, at codon 34 of the FGF3 protein (p.Gly34Cys). This variant is present in population databases (no rsID available, gnomAD 0.1%). This variant has not been reported in the literature in individuals affected with FGF3-related conditions. ClinVar contains an entry for this variant (Variation ID: 426706). Algorithms developed to predict the effect of missense changes on protein structure and function are either unavailable or do not agree on the potential impact of this missense change (SIFT: "Deleterious"; PolyPhen-2: "Not Available"; Align-GVGD: "Class C0"). In summary, the available evidence is currently insufficient to determine the role of this variant in disease. Therefore, it has been classified as a Variant of Uncertain Significance.

Blueprint Genetics
Classification: Uncertain significance. Last evaluated: 2022-04-30. Review status: criteria provided, single submitter. Criteria: ACMG Guidelines, 2015. Collection method: clinical testing. Allele origin: germline.

GeneDx
Classification: Likely benign. Last evaluated: 2020-06-29. Review status: criteria provided, single submitter. Criteria: GeneDx Variant Classification Process June 2021. Collection method: clinical testing. Allele origin: germline. Affected: yes.

Fulgent Genetics
Classification: Uncertain significance for Deafness with labyrinthine aplasia, microtia, and microdontia. Last evaluated: 2018-10-31. Review status: criteria provided, single submitter. Criteria: ACMG Guidelines, 2015. Collection method: clinical testing. Allele origin: unknown.

NM_005247.4(FGF3):c.100G>T (p.Gly34Cys)

Genes: FGF3 (fibroblast growth factor 3; minus strand), LOC109115964 (FGF3 5' regulatory region; plus strand). Cytogenetic location: 11q13.3.
Variant type: single nucleotide variant.
Coding change: c.100G>T on transcript NM_005247.4 (MANE Select); coding-DNA position 100, G replaced by T.
Protein change: p.Gly34Cys; replaces glycine 34 with cysteine.
Molecular consequence: missense variant.
Genome position (GRCh38, 1-based): chr11:69,818,834, C>A on the plus strand (G>T on the coding strand, the complement: FGF3 is on the minus strand). VCF-style: chr11-69818834-C-A. GRCh37 (hg19) VCF-style: chr11-69633602-C-A.
Other names: short protein forms G34C.
Identifiers: ClinVar variation 426706 (VCV000426706.7), dbSNP rs1039515359, ClinGen allele CA223501132.